The following is an entry in ClinVar:

ClinVar aggregate classification (germline): Likely benign (1 of 4 stars; one submission).

Conditions:
ALMS1-related disorder. Also called: ALMS1-related condition.

Submission:

PreventionGenetics, part of Exact Sciences
Classification: Likely benign for ALMS1-related condition. Last evaluated: 2019-10-16. Review status: criteria provided, single submitter. Criteria: ACMG Guidelines, 2015. Collection method: clinical testing. Allele origin: germline.
Comment: This variant is classified as likely benign based on ACMG/AMP sequence variant interpretation guidelines (Richards et al. 2015 PMID: 25741868, with internal and published modifications).

NM_001378454.1(ALMS1):c.12030C>T (p.His4010=)

Genes: ALMS1 (ALMS1 centrosome and basal body associated protein; plus strand), LOC126806252 (BRD4-independent group 4 enhancer GRCh37_chr2:73828496-73829695; plus strand). Cytogenetic location: 2p13.1.
Variant type: single nucleotide variant.
Coding change: c.12030C>T on transcript NM_001378454.1 (MANE Select); coding-DNA position 12030, C replaced by T.
Protein change: p.His4010=; no amino-acid change (histidine 4010 retained).
Molecular consequence: synonymous variant.
Genome position (GRCh38, 1-based): chr2:73,601,352, C>T. VCF-style: chr2-73601352-C-T. GRCh37 (hg19) VCF-style: chr2-73828479-C-T.
Other names: c.12033C>T, p.His4011= (NM_015120.4).
Identifiers: ClinVar variation 3052466 (VCV003052466.1), dbSNP rs2466522772, ClinGen allele CA426783582.